The following is an entry in ClinVar:

ClinVar aggregate classification (germline): Uncertain significance (1 of 4 stars; one submission).

Conditions:
Lethal multiple pterygium syndrome (LMPS). Identifiers: Orphanet 33108, MedGen C1854678, MONDO:0009668, OMIM 253290.

Submission:

Labcorp Genetics (formerly Invitae), Labcorp
Classification: Uncertain significance for Lethal multiple pterygium syndrome. Last evaluated: 2021-07-04. Review status: criteria provided, single submitter. Criteria: Invitae Variant Classification Sherloc (09022015). Collection method: clinical testing. Allele origin: germline.
Comment: This variant has not been reported in the literature in individuals with CHRNA1-related conditions. This sequence change replaces methionine with lysine at codon 302 of the CHRNA1 protein (p.Met302Lys). The methionine residue is highly conserved and there is a moderate physicochemical difference between methionine and lysine. This variant is not present in population databases (ExAC no frequency). In summary, the available evidence is currently insufficient to determine the role of this variant in disease. Therefore, it has been classified as a Variant of Uncertain Significance. Algorithms developed to predict the effect of sequence changes on RNA splicing suggest that this variant may create or strengthen a splice site, but this prediction has not been confirmed by published transcriptional studies. Algorithms developed to predict the effect of missense changes on protein structure and function are either unavailable or do not agree on the potential impact of this missense change (SIFT: "Deleterious"; PolyPhen-2: "Probably Damaging"; Align-GVGD: "Class C0").

NM_000079.4(CHRNA1):c.905T>A (p.Met302Lys)

Gene: CHRNA1 (cholinergic receptor nicotinic alpha 1 subunit; minus strand). Cytogenetic location: 2q31.1.
Variant type: single nucleotide variant.
Coding change: c.905T>A on transcript NM_000079.4 (MANE Select); coding-DNA position 905, T replaced by A.
Protein change: p.Met302Lys; replaces methionine 302 with lysine.
Molecular consequence: missense variant.
Genome position (GRCh38, 1-based): chr2:174,750,043, A>T on the plus strand (T>A on the coding strand, the complement: CHRNA1 is on the minus strand). VCF-style: chr2-174750043-A-T. GRCh37 (hg19) VCF-style: chr2-175614771-A-T.
Other names: c.980T>A, p.Met327Lys (NM_001039523.3); short protein forms M302K, M327K.
Identifiers: ClinVar variation 1051687 (VCV001051687.9), dbSNP rs2105345309, ClinGen allele CA349336399.